The following is an entry in ClinVar:

NM_016122.3(CEP83):c.428A>C (p.Lys143Thr)

Gene: CEP83 (centrosomal protein 83; minus strand). Cytogenetic location: 12q22.
Variant type: single nucleotide variant.
Coding change: c.428A>C on transcript NM_016122.3 (MANE Select); coding-DNA position 428, A replaced by C.
Protein change: p.Lys143Thr; replaces lysine 143 with threonine.
Molecular consequence: missense variant. On other transcripts: non-coding transcript variant (3), intron variant (2).
Genome position (GRCh38, 1-based): chr12:94,400,971, T>G on the plus strand (A>C on the coding strand, the complement: CEP83 is on the minus strand). VCF-style: chr12-94400971-T-G. GRCh37 (hg19) VCF-style: chr12-94794747-T-G.
Other names: c.428A>C, p.Lys143Thr (NM_001042399.2, NM_001346457.2, NM_001346460.2 and 3 more transcripts); c.116A>C, p.Lys39Thr (NM_001346458.2, NM_001346459.2, NM_001346462.2 and 2 more transcripts); c.324+10726A>C (NM_001368041.1); c.12+10726A>C (NM_001368042.1); short protein forms K39T, K143T.
Identifiers: ClinVar variation 2043782 (VCV002043782.3), dbSNP rs1293214242, ClinGen allele CA386143217.

ClinVar aggregate classification (germline): Uncertain significance (1 of 4 stars; one submission).

Conditions:
Nephronophthisis 18 (NPHP18). Identifiers: Orphanet 655, MedGen C3890591, MONDO:0014374, OMIM 615862.

Allele frequency attached by ClinVar (database versions not stated): gnomAD exomes below 0.00001.
gnomAD v4.1: 1 of 1,403,368 alleles (0.000071%); highest among the groups gnomAD compares: Admixed American, 0.0026%; no homozygotes.

Submission:

Labcorp Genetics (formerly Invitae), Labcorp
Classification: Uncertain significance for Nephronophthisis 18. Last evaluated: 2022-10-13. Review status: criteria provided, single submitter. Criteria: Invitae Variant Classification Sherloc (09022015). Collection method: clinical testing. Allele origin: germline.
Comment: In summary, the available evidence is currently insufficient to determine the role of this variant in disease. Therefore, it has been classified as a Variant of Uncertain Significance. Advanced modeling of protein sequence and biophysical properties (such as structural, functional, and spatial information, amino acid conservation, physicochemical variation, residue mobility, and thermodynamic stability) performed at Invitae indicates that this missense variant is expected to disrupt CEP83 protein function. This variant has not been reported in the literature in individuals affected with CEP83-related conditions. This variant is present in population databases (no rsID available, gnomAD 0.008%). This sequence change replaces lysine, which is basic and polar, with threonine, which is neutral and polar, at codon 143 of the CEP83 protein (p.Lys143Thr).